The following is an entry in ClinVar:

ClinVar aggregate classification (germline): Uncertain significance (1 of 4 stars; one submission).

Conditions:
Renal cell carcinoma. Identifiers: Orphanet 217071, MedGen C0007134, MeSH D002292, MONDO:0005086, HP:0005584.

Submission:

Labcorp Genetics (formerly Invitae), Labcorp
Classification: Uncertain significance for Renal cell carcinoma. Last evaluated: 2019-08-03. Review status: criteria provided, single submitter. Criteria: Invitae Variant Classification Sherloc (09022015). Collection method: clinical testing. Allele origin: germline.
Comment: In summary, the available evidence is currently insufficient to determine the role of this variant in disease. Therefore, it has been classified as a Variant of Uncertain Significance. The current clinical and genetic evidence is not sufficient to establish whether loss-of-function variants in MET cause disease. This variant has not been reported in the literature in individuals with MET-related conditions. This variant is not present in population databases (ExAC no frequency). This sequence change creates a premature translational stop signal (p.Thr696Hisfs*4) in the MET gene. It is expected to result in an absent or disrupted protein product.

NM_000245.4(MET):c.2086del (p.Thr696fs)

Gene: MET (MET proto-oncogene, receptor tyrosine kinase; plus strand). Cytogenetic location: 7q31.2.
Variant type: Deletion.
Coding change: c.2086del on transcript NM_000245.4 (MANE Select); coding-DNA position 2086, one base deleted (A; older notation c.2086delA).
Protein change: p.Thr696fs; shifts the reading frame from threonine 696.
Molecular consequence: frameshift variant.
Genome position (GRCh38, 1-based): chr7:116,757,758, A deleted; the last of 5 consecutive A bases (chr7:116,757,754-116,757,758); deleting any one gives the same sequence. VCF-style (leftmost placement, unchanged base first): chr7-116757753-GA-G. GRCh37 (hg19) VCF-style: chr7-116397807-GA-G.
Other names: c.2086del, p.Thr696fs (NM_001127500.3, NM_001324401.3); c.796del, p.Thr266fs (NM_001324402.2); short protein forms T696fs, T266fs.
Identifiers: ClinVar variation 959253 (VCV000959253.7), dbSNP rs1794245712, ClinGen allele CA1139660218.
Genomic context (GRCh38, chr7:116,757,753, plus strand): 5'-TACTTACTTTAACTGGAAATTACCTAAACAGTGGGAATTCTAGACACATTTCAATTGGTG[GA>G]AAAACATGTACTTTAAAAAGGTGTTGTAAATTTATTTTTTGTTGCATCTGTCAATTTGAA-3'